The following is an entry in ClinVar:

NM_003718.5(CDK13):c.[838C>T;839G>C]

Variant type: Haplotype.
Identifiers: ClinVar variation 1299398 (VCV001299398.1).

ClinVar aggregate classification (germline): Uncertain significance (1 of 4 stars; one submission).

Conditions:
Congenital heart defects, dysmorphic facial features, and intellectual developmental disorder (CHDFIDD). Identifiers: Orphanet 646278, MedGen C4479246, MONDO:0044302, OMIM 617360.

Submission:

Breda Genetics srl
Classification: Uncertain significance for Congenital heart defects, dysmorphic facial features, and intellectual developmental disorder. Last evaluated: 2021-01-22. Review status: criteria provided, single submitter. Criteria: ACMG Guidelines, 2015. Collection method: clinical testing. Allele origin: germline. Inheritance: Autosomal dominant inheritance. Affected: yes. Observed: 1 heterozygote.
Comment: Based on allele frequency, in-silico prediction scores and a certain overlap with the clinical phenotype, we interpreted this variant at least as of uncertain significance. The lack of one or more of the following features has discouraged further investigations: lack of a possible second hit in autosomal recessive conditions, presence of healthy controls in databases for autosomal dominant conditions, presence of unmatching cardinal clinical features in the patient or in the known gene-disease association, and/or variant type outside the known gene mutational spectrum.